The following is an entry in ClinVar:

ClinVar aggregate classification (germline): Uncertain significance (1 of 4 stars; one submission).

Submission:

Athena Diagnostics
Classification: Uncertain significance. Last evaluated: 2023-02-16. Review status: criteria provided, single submitter. Criteria: Athena Diagnostics Criteria. Collection method: clinical testing. Allele origin: unknown.
Comment: Available data are insufficient to determine the clinical significance of the variant at this time. The frequency of this variant in the general population is uninformative in assessment of its pathogenicity. Computational tools disagree on the variant's effect on normal protein function.

NM_030962.4(SBF2):c.3632C>A (p.Ser1211Tyr)

Gene: SBF2 (SET binding factor 2; minus strand). Cytogenetic location: 11p15.4.
Variant type: single nucleotide variant.
Coding change: c.3632C>A on transcript NM_030962.4 (MANE Select); coding-DNA position 3632, C replaced by A.
Protein change: p.Ser1211Tyr; replaces serine 1211 with tyrosine.
Molecular consequence: missense variant.
Genome position (GRCh38, 1-based): chr11:9,832,244, G>T on the plus strand (C>A on the coding strand, the complement: SBF2 is on the minus strand). VCF-style: chr11-9832244-G-T. GRCh37 (hg19) VCF-style: chr11-9853791-G-T.
Other names: c.3632C>A, p.Ser1211Tyr (NM_001386339.1); c.3503C>A, p.Ser1168Tyr (NM_001386342.1); c.3668C>A, p.Ser1223Tyr (NM_001424318.1, NM_001425069.1, NM_001425070.1); short protein forms S1168Y, S1211Y, S1223Y.
Identifiers: ClinVar variation 2684339 (VCV002684339.1), dbSNP rs1356162033, ClinGen allele CA379645495.